The following is an entry in ClinVar:

ClinVar aggregate classification (germline): Uncertain significance. Review status: criteria provided, multiple submitters, no conflicts (2 of 4 stars). 2 submissions from 2 submitters: Uncertain significance (2). Last evaluated 2023-06-22.

Conditions:
FG syndrome 4 (FGS4). Identifiers: MedGen C1845546, MONDO:0010318, OMIM 300422.

gnomAD v4.1: 4 of 1,211,752 alleles (0.00033%); highest among the groups gnomAD compares: South Asian, 0.0018%; no homozygotes.

Submissions (2):

Neuberg Centre For Genomic Medicine, NCGM
Classification: Uncertain significance for FG syndrome 4. Last evaluated: 2023-06-22. Review status: criteria provided, single submitter. Criteria: ACMG Guidelines, 2015. Collection method: clinical testing. Allele origin: germline. Inheritance: Autosomal dominant inheritance. Affected: yes.
Comment: The observed missense variant c.2482G>A(p.Glu828Lys) in CASK gene has not been reported previously as a pathogenic variant nor as a benign variant, to our knowledge. The c.2482G>A(p.Glu828Lys) variant is absent in gnomAD Exomes. The amino acid Glu at position 828 is changed to a Lys changing protein sequence and it might alter its composition and physico-chemical properties. Computational evidence (Polyphen-Benign, SIFT-Tolerated and Mutation Taster-disease causing) predicts conflicting evidence on protein structure and function for this variant.For these reasons, this variant has been classified as Uncertain Significance.

GeneDx
Classification: Uncertain significance. Last evaluated: 2022-10-05. Review status: criteria provided, single submitter. Criteria: GeneDx Variant Classification Process June 2021. Collection method: clinical testing. Allele origin: germline. Affected: yes.
Comment: Not observed at significant frequency in large population cohorts (gnomAD); In silico analysis supports that this missense variant does not alter protein structure/function; Has not been previously published as pathogenic or benign to our knowledge

NM_001367721.1(CASK):c.2482G>A (p.Glu828Lys)

Gene: CASK (calcium/calmodulin dependent serine protein kinase; minus strand). Cytogenetic location: Xp11.4.
Variant type: single nucleotide variant.
Coding change: c.2482G>A on transcript NM_001367721.1 (MANE Select); coding-DNA position 2482, G replaced by A.
Protein change: p.Glu828Lys; replaces glutamic acid 828 with lysine.
Molecular consequence: missense variant.
Genome position (GRCh38, 1-based): chrX:41,531,045, C>T on the plus strand (G>A on the coding strand, the complement: CASK is on the minus strand). VCF-style: chrX-41531045-C-T. GRCh37 (hg19) VCF-style: chrX-41390298-C-T.
Other names: c.2398G>A, p.Glu800Lys (NM_001126054.3); c.2395G>A, p.Glu799Lys (NM_001126055.3); c.2464G>A, p.Glu822Lys (NM_001410745.1); c.2467G>A, p.Glu823Lys (NM_003688.4); short protein forms E799K, E800K, E822K, E823K, E828K.
Identifiers: ClinVar variation 2498035 (VCV002498035.2), dbSNP rs192044507, ClinGen allele CA412990038.